The following is an entry in ClinVar:

ClinVar aggregate classification (germline): Conflicting classifications of pathogenicity. Review status: criteria provided, conflicting classifications (1 of 4 stars). 3 submissions from 3 submitters: Uncertain significance (2); Likely benign (1). Last evaluated 2024-12-18.

Conditions:
SLC12A2-related disorder. Also called: SLC12A2-related disorders; SLC12A2-related condition.
Inborn genetic diseases. Identifiers: MedGen C0950123, MeSH D030342.

Allele frequency attached by ClinVar (database versions not stated): TOPMed 0.00006; ESP Exome Variant Server 0.00008; 1000 Genomes Project 0.00020; 1000 Genomes Project 30x 0.00031; ExAC 0.00003; gnomAD 0.00004.
gnomAD v4.1: 17 of 1,593,722 alleles (0.0011%); highest among the groups gnomAD compares: African/African-American, 0.011%; no homozygotes.

Submissions (3):

PreventionGenetics, part of Exact Sciences
Classification: Uncertain significance for SLC12A2-related condition. Last evaluated: 2024-12-18. Review status: criteria provided, single submitter. Criteria: ACMG Guidelines, 2015. Collection method: clinical testing. Allele origin: germline.
Comment: The SLC12A2 c.2917A>G variant is predicted to result in the amino acid substitution p.Ile973Val. To our knowledge, this variant has not been reported in the literature. This variant is reported in 0.013% of alleles in individuals of African descent in gnomAD. At this time, the clinical significance of this variant is uncertain due to the absence of conclusive functional and genetic evidence.

Labcorp Genetics (formerly Invitae), Labcorp
Classification: Uncertain significance. Last evaluated: 2024-08-14. Review status: criteria provided, single submitter. Criteria: Invitae Variant Classification Sherloc (09022015). Collection method: clinical testing. Allele origin: germline.
Comment: This sequence change replaces isoleucine, which is neutral and non-polar, with valine, which is neutral and non-polar, at codon 973 of the SLC12A2 protein (p.Ile973Val). This variant is present in population databases (rs149957408, gnomAD 0.02%). This variant has not been reported in the literature in individuals affected with SLC12A2-related conditions. ClinVar contains an entry for this variant (Variation ID: 1908889). Invitae Evidence Modeling of protein sequence and biophysical properties (such as structural, functional, and spatial information, amino acid conservation, physicochemical variation, residue mobility, and thermodynamic stability) indicates that this missense variant is not expected to disrupt SLC12A2 protein function with a negative predictive value of 95%. In summary, the available evidence is currently insufficient to determine the role of this variant in disease. Therefore, it has been classified as a Variant of Uncertain Significance.

Ambry Genetics
Classification: Likely benign for Inborn genetic diseases. Last evaluated: 2023-04-07. Review status: criteria provided, single submitter. Criteria: Ambry Variant Classification Scheme 2023. Collection method: clinical testing. Allele origin: germline.

NM_001046.3(SLC12A2):c.2917A>G (p.Ile973Val)

Gene: SLC12A2 (solute carrier family 12 member 2; plus strand). Cytogenetic location: 5q23.3.
Variant type: single nucleotide variant.
Coding change: c.2917A>G on transcript NM_001046.3 (MANE Select); coding-DNA position 2917, A replaced by G.
Protein change: p.Ile973Val; replaces isoleucine 973 with valine.
Molecular consequence: missense variant. On other transcripts: non-coding transcript variant (1).
Genome position (GRCh38, 1-based): chr5:128,174,654, A>G. VCF-style: chr5-128174654-A-G. GRCh37 (hg19) VCF-style: chr5-127510346-A-G.
Other names: c.2917A>G (NM_001046.2); c.2917A>G, p.Ile973Val (NM_001256461.2); short protein forms I973V.
Identifiers: ClinVar variation 1908889 (VCV001908889.8), dbSNP rs149957408, ClinGen allele CA3393510.
Genomic context (GRCh38, chr5:128,174,654, plus strand): 5'-AGTGTGGAATATAGTAAAAAGTCCGATTTAGATACTTCCAAACCACTCAGTGAAAAACCA[A>G]TTACACACAAAGGTAATTTTCATTCAAACAATAAGTCTTATTAATAGTAATGTTTTAATT-3'
Protein context (NP_001037.1, residues 963-983): DTSKPLSEKP[Ile973Val]THKVEEEDGK